The following is an entry in ClinVar:

ClinVar aggregate classification (germline): Likely pathogenic (1 of 4 stars; one submission).

Conditions:
RYR1-related disorder. Also called: RYR1-related disorders; RYR1-related condition. Identifiers: MedGen CN239331.

Submission:

Labcorp Genetics (formerly Invitae), Labcorp
Classification: Likely pathogenic for RYR1-related disorder. Last evaluated: 2022-07-11. Review status: criteria provided, single submitter. Criteria: Invitae Variant Classification Sherloc (09022015). Collection method: clinical testing. Allele origin: germline.
Comment: This sequence change replaces valine, which is neutral and non-polar, with phenylalanine, which is neutral and non-polar, at codon 4849 of the RYR1 protein (p.Val4849Phe). This variant is not present in population databases (gnomAD no frequency). This variant has not been reported in the literature in individuals affected with RYR1-related conditions. ClinVar contains an entry for this variant (Variation ID: 965443). Advanced modeling of protein sequence and biophysical properties (such as structural, functional, and spatial information, amino acid conservation, physicochemical variation, residue mobility, and thermodynamic stability) performed at Invitae indicates that this missense variant is expected to disrupt RYR1 protein function. This variant disrupts the p.Val4849 amino acid residue in RYR1. Other variant(s) that disrupt this residue have been determined to be pathogenic (PMID: 12136074, 19648156, 22473935, 23329375, 28818389, 29635721). This suggests that this residue is clinically significant, and that variants that disrupt this residue are likely to be disease-causing. In summary, the currently available evidence indicates that the variant is pathogenic, but additional data are needed to prove that conclusively. Therefore, this variant has been classified as Likely Pathogenic.

Literature cited by the submitters: PubMed 12136074; PubMed 19648156; PubMed 22473935; PubMed 23329375; PubMed 28818389; PubMed 29635721.

NM_000540.3(RYR1):c.14545G>T (p.Val4849Phe)

Gene: RYR1 (ryanodine receptor 1; plus strand). Cytogenetic location: 19q13.2.
Variant type: single nucleotide variant.
Coding change: c.14545G>T on transcript NM_000540.3 (MANE Select); coding-DNA position 14545, G replaced by T.
Protein change: p.Val4849Phe; replaces valine 4849 with phenylalanine.
Molecular consequence: missense variant.
Genome position (GRCh38, 1-based): chr19:38,580,403, G>T. VCF-style: chr19-38580403-G-T. GRCh37 (hg19) VCF-style: chr19-39071043-G-T.
Other names: c.14530G>T, p.Val4844Phe (NM_001042723.2); short protein forms V4844F, V4849F.
Identifiers: ClinVar variation 965443 (VCV000965443.10), dbSNP rs118192168, ClinGen allele CA405687657.